The following is an entry in ClinVar:

ClinVar aggregate classification (germline): Uncertain significance (1 of 4 stars; one submission).

Conditions:
Epilepsy, early-onset, with or without developmental delay. Identifiers: MedGen C5882670, MONDO:0030005, OMIM 618832.
Neurodevelopmental disorder with speech impairment and dysmorphic facies. Identifiers: MedGen C5436699, MONDO:0033630, OMIM 619056.

Allele frequency attached by ClinVar (database versions not stated): gnomAD 0.00001; gnomAD exomes 0.00001.
gnomAD v4.1: 5 of 1,604,880 alleles (0.00031%); highest among the groups gnomAD compares: East Asian, 0.0045%; no homozygotes.

Submission:

New York Genome Center
Classification: Uncertain significance for Neurodevelopmental disorder with speech impairment and dysmorphic facies; Epilepsy, early-onset, with or without developmental delay. Last evaluated: 2022-07-22. Review status: criteria provided, single submitter. Criteria: NYGC Assertion Criteria 2020. Collection method: clinical testing. Allele origin: inherited. Observed: 1 heterozygote. Study: CSER-NYCKidSeq.
Comment: The c.1949C>T (p.Pro650Leu) inherited missense variant in exon 8 of 19 of SETD1A has not been reported in affected individuals in the available literature. This variant is present in gnomAD at a very low frequency (2/242796 alleles, allele frequency = 0.000008237; no homozygoytes) indicating it is not a common benign variant in the populations represented in this database. The missense change is not localized in any of the conserved domains of the SETD1A protein and in silico predictors suggest this variant is Neutral (Provean; score: -0.87) and Tolerated (SIFT; score: 0.811). Given the conflicting evidence regarding its pathogenicity, the inherited c.1949C>T (p.Pro650Leu) variant identified in the SETD1A gene is reported here as a Variant of Uncertain Significance.

NM_014712.3(SETD1A):c.1949C>T (p.Pro650Leu)

Gene: SETD1A (SET domain containing 1A, histone lysine methyltransferase; plus strand). Cytogenetic location: 16p11.2.
Variant type: single nucleotide variant.
Coding change: c.1949C>T on transcript NM_014712.3 (MANE Select); coding-DNA position 1949, C replaced by T.
Protein change: p.Pro650Leu; replaces proline 650 with leucine.
Molecular consequence: missense variant.
Genome position (GRCh38, 1-based): chr16:30,965,830, C>T. VCF-style: chr16-30965830-C-T. GRCh37 (hg19) VCF-style: chr16-30977151-C-T.
Other names: short protein forms P650L.
Identifiers: ClinVar variation 983324 (VCV000983324.2), dbSNP rs1051816095, ClinGen allele CA280580717.